The following is an entry in ClinVar:

NM_001378120.1(MBD5):c.4824G>C (p.Leu1608Phe)

Gene: MBD5 (methyl-CpG binding domain protein 5; plus strand). Cytogenetic location: 2q23.1.
Variant type: single nucleotide variant.
Coding change: c.4824G>C on transcript NM_001378120.1 (MANE Select); coding-DNA position 4824, G replaced by C.
Protein change: p.Leu1608Phe; replaces leucine 1608 with phenylalanine.
Molecular consequence: missense variant.
Genome position (GRCh38, 1-based): chr2:148,490,456, G>C. VCF-style: chr2-148490456-G-C. GRCh37 (hg19) VCF-style: chr2-149248025-G-C.
Other names: c.4125G>C, p.Leu1375Phe (NM_018328.5); short protein forms L1375F, L1608F.
Identifiers: ClinVar variation 2574187 (VCV002574187.1), dbSNP rs1204276909, ClinGen allele CA348731597.

ClinVar aggregate classification (germline): Uncertain significance (1 of 4 stars; one submission).

Submission:

GeneDx
Classification: Uncertain significance. Last evaluated: 2023-01-31. Review status: criteria provided, single submitter. Criteria: GeneDx Variant Classification Process June 2021. Collection method: clinical testing. Allele origin: germline. Affected: yes.
Comment: Not observed at significant frequency in large population cohorts (gnomAD); In silico analysis supports that this missense variant does not alter protein structure/function; Has not been previously published as pathogenic or benign to our knowledge